The following is an entry in ClinVar:

ClinVar aggregate classification (germline): Likely benign (1 of 4 stars; one submission).

Conditions:
ASH1L-related disorder. Also called: ASH1L-related condition.

gnomAD v4.1: 13 of 1,614,082 alleles (0.00081%); highest among the groups gnomAD compares: South Asian, 0.0011%; no homozygotes.

Submission:

PreventionGenetics, part of Exact Sciences
Classification: Likely benign for ASH1L-related condition. Last evaluated: 2025-09-15. Review status: criteria provided, single submitter. Criteria: ACMG Guidelines, 2015. Collection method: clinical testing. Allele origin: germline.
Comment: This variant is classified as likely benign based on ACMG/AMP sequence variant interpretation guidelines (Richards et al. 2015 PMID: 25741868, with internal and published modifications).

NM_018489.3(ASH1L):c.4424A>G (p.Tyr1475Cys)

Gene: ASH1L (ASH1 like histone lysine methyltransferase; minus strand). Cytogenetic location: 1q22.
Variant type: single nucleotide variant.
Coding change: c.4424A>G on transcript NM_018489.3 (MANE Select); coding-DNA position 4424, A replaced by G.
Protein change: p.Tyr1475Cys; replaces tyrosine 1475 with cysteine.
Molecular consequence: missense variant.
Genome position (GRCh38, 1-based): chr1:155,478,446, T>C on the plus strand (A>G on the coding strand, the complement: ASH1L is on the minus strand). VCF-style: chr1-155478446-T-C. GRCh37 (hg19) VCF-style: chr1-155448237-T-C.
Other names: c.4424A>G, p.Tyr1475Cys (NM_001366177.2); short protein forms Y1475C.
Identifiers: ClinVar variation 4997353 (VCV004997353.1).